The following is an entry in ClinVar:

NM_004304.5(ALK):c.1924G>A (p.Asp642Asn)

Gene: ALK (ALK receptor tyrosine kinase; minus strand). Cytogenetic location: 2p23.2.
Variant type: single nucleotide variant.
Coding change: c.1924G>A on transcript NM_004304.5 (MANE Select); coding-DNA position 1924, G replaced by A.
Protein change: p.Asp642Asn; replaces aspartic acid 642 with asparagine.
Molecular consequence: missense variant.
Genome position (GRCh38, 1-based): chr2:29,275,216, C>T on the plus strand (G>A on the coding strand, the complement: ALK is on the minus strand). VCF-style: chr2-29275216-C-T. GRCh37 (hg19) VCF-style: chr2-29498082-C-T.
Other names: short protein forms D642N.
Identifiers: ClinVar variation 646665 (VCV000646665.12), dbSNP rs1573183654, ClinGen allele CA346479812.

ClinVar aggregate classification (germline): Uncertain significance. Review status: criteria provided, multiple submitters, no conflicts (2 of 4 stars). 2 submissions from 2 submitters: Uncertain significance (2). Last evaluated 2025-10-02.

Conditions:
Hereditary cancer-predisposing syndrome. Also called: Hereditary Cancer Syndrome; Tumor predisposition; Neoplastic Syndromes, Hereditary; Hereditary neoplastic syndrome. Identifiers: Orphanet 140162, MedGen C0027672, MeSH D009386, MONDO:0015356.
Neuroblastoma, susceptibility to, 3. Also called: ALK-Related Neuroblastic Tumor Susceptibility. Identifiers: Orphanet 635, MedGen C2751681, MONDO:0013083, OMIM 613014.

Submissions (2):

Labcorp Genetics (formerly Invitae), Labcorp
Classification: Uncertain significance for Neuroblastoma, susceptibility to, 3. Last evaluated: 2025-10-02. Review status: criteria provided, single submitter. Criteria: Invitae Variant Classification Sherloc (09022015). Collection method: clinical testing. Allele origin: germline.
Comment: This sequence change replaces aspartic acid, which is acidic and polar, with asparagine, which is neutral and polar, at codon 642 of the ALK protein (p.Asp642Asn). This variant is not present in population databases (gnomAD no frequency). This variant has not been reported in the literature in individuals affected with ALK-related conditions. ClinVar contains an entry for this variant (Variation ID: 646665). An algorithm developed to predict the effect of missense changes on protein structure and function (PolyPhen-2) suggests that this variant is likely to be tolerated. In summary, the available evidence is currently insufficient to determine the role of this variant in disease. Therefore, it has been classified as a Variant of Uncertain Significance.

Ambry Genetics
Classification: Uncertain significance for Hereditary cancer-predisposing syndrome. Last evaluated: 2024-05-04. Review status: criteria provided, single submitter. Criteria: Ambry Variant Classification Scheme 2023. Collection method: clinical testing. Allele origin: germline.
Comment: The p.D642N variant (also known as c.1924G>A), located in coding exon 11 of the ALK gene, results from a G to A substitution at nucleotide position 1924. The aspartic acid at codon 642 is replaced by asparagine, an amino acid with highly similar properties. This amino acid position is conserved. In addition, this alteration is predicted to be tolerated by in silico analysis. Since supporting evidence is limited at this time, the clinical significance of this alteration remains unclear.